The following is an entry in ClinVar:

NM_003846.3(PEX11B):c.275A>C (p.Asn92Thr)

Gene: PEX11B (peroxisomal biogenesis factor 11 beta; minus strand). Cytogenetic location: 1q21.1.
Variant type: single nucleotide variant.
Coding change: c.275A>C on transcript NM_003846.3 (MANE Select); coding-DNA position 275, A replaced by C.
Protein change: p.Asn92Thr; replaces asparagine 92 with threonine.
Molecular consequence: missense variant. On other transcripts: non-coding transcript variant (3).
Genome position (GRCh38, 1-based): chr1:145,916,916, T>G on the plus strand (A>C on the coding strand, the complement: PEX11B is on the minus strand). VCF-style: chr1-145916916-T-G. GRCh37 (hg19) VCF-style: chr1-145518173-A-C.
Other names: c.233A>C, p.Asn78Thr (NM_001184795.1); short protein forms N78T, N92T.
Identifiers: ClinVar variation 4724327 (VCV004724327.1).

ClinVar aggregate classification (germline): Uncertain significance (1 of 4 stars; one submission).

Submission:

Labcorp Genetics (formerly Invitae), Labcorp
Classification: Uncertain significance. Last evaluated: 2025-08-04. Review status: criteria provided, single submitter. Criteria: Invitae Variant Classification Sherloc (09022015). Collection method: clinical testing. Allele origin: germline.
Comment: This sequence change replaces asparagine, which is neutral and polar, with threonine, which is neutral and polar, at codon 92 of the PEX11B protein (p.Asn92Thr). This variant is present in population databases (rs146562689, gnomAD 0.003%). This variant has not been reported in the literature in individuals affected with PEX11B-related conditions. An algorithm developed to predict the effect of missense changes on protein structure and function (PolyPhen-2) suggests that this variant is likely to be disruptive. In summary, the available evidence is currently insufficient to determine the role of this variant in disease. Therefore, it has been classified as a Variant of Uncertain Significance.